The following is an entry in ClinVar:

NM_006767.4(LZTR1):c.410C>T (p.Thr137Ile)

Gene: LZTR1 (leucine zipper like post translational regulator 1; plus strand). Cytogenetic location: 22q11.21.
Variant type: single nucleotide variant.
Coding change: c.410C>T on transcript NM_006767.4 (MANE Select); coding-DNA position 410, C replaced by T.
Protein change: p.Thr137Ile; replaces threonine 137 with isoleucine.
Molecular consequence: missense variant.
Genome position (GRCh38, 1-based): chr22:20,988,019, C>T. VCF-style: chr22-20988019-C-T. GRCh37 (hg19) VCF-style: chr22-21342308-C-T.
Other names: short protein forms T137I.
Identifiers: ClinVar variation 4859426 (VCV004859426.1).

ClinVar aggregate classification (germline): Uncertain significance (1 of 4 stars; one submission).

Conditions:
Cardiovascular phenotype. Identifiers: MedGen CN230736.
Hereditary cancer-predisposing syndrome. Also called: Neoplastic Syndromes, Hereditary; Tumor predisposition; Hereditary Cancer Syndrome; Hereditary neoplastic syndrome. Identifiers: Orphanet 140162, MedGen C0027672, MeSH D009386, MONDO:0015356.

Submission:

Ambry Genetics
Classification: Uncertain significance for Cardiovascular phenotype; Hereditary cancer-predisposing syndrome. Last evaluated: 2026-05-31. Review status: criteria provided, single submitter. Criteria: Ambry Variant Classification Scheme 2023. Collection method: clinical testing. Allele origin: germline.
Comment: The p.T137I variant (also known as c.410C>T), located in coding exon 5 of the LZTR1 gene, results from a C to T substitution at nucleotide position 410. The threonine at codon 137 is replaced by isoleucine, an amino acid with similar properties. This amino acid position is conserved. In addition, the in silico prediction for this alteration is inconclusive. Based on the available evidence, the clinical significance of this variant remains unclear.